The following is an entry in ClinVar:

ClinVar aggregate classification (germline): Uncertain significance (1 of 4 stars; one submission).

Allele frequency attached by ClinVar (database versions not stated): gnomAD exomes below 0.00001.
gnomAD v4.1: 1 of 1,614,054 alleles (0.000062%); highest among the groups gnomAD compares: Non-Finnish European, 0.000085%; no homozygotes.

Submission:

Labcorp Genetics (formerly Invitae), Labcorp
Classification: Uncertain significance. Last evaluated: 2021-04-16. Review status: criteria provided, single submitter. Criteria: Invitae Variant Classification Sherloc (09022015). Collection method: clinical testing. Allele origin: germline.
Comment: In summary, the available evidence is currently insufficient to determine the role of this variant in disease. Therefore, it has been classified as a Variant of Uncertain Significance. Algorithms developed to predict the effect of missense changes on protein structure and function are either unavailable or do not agree on the potential impact of this missense change (SIFT: "Deleterious"; PolyPhen-2: "Probably Damaging"; Align-GVGD: "Class C0"). This variant has not been reported in the literature in individuals with ABCC6-related conditions. This variant is not present in population databases (ExAC no frequency). This sequence change replaces aspartic acid with asparagine at codon 1473 of the ABCC6 protein (p.Asp1473Asn). The aspartic acid residue is moderately conserved and there is a small physicochemical difference between aspartic acid and asparagine.

NM_001171.6(ABCC6):c.4417G>A (p.Asp1473Asn)

Gene: ABCC6 (ATP binding cassette subfamily C member 6; minus strand). Cytogenetic location: 16p13.11.
Variant type: single nucleotide variant.
Coding change: c.4417G>A on transcript NM_001171.6 (MANE Select); coding-DNA position 4417, G replaced by A.
Protein change: p.Asp1473Asn; replaces aspartic acid 1473 with asparagine.
Molecular consequence: missense variant. On other transcripts: non-coding transcript variant (1).
Genome position (GRCh38, 1-based): chr16:16,150,228, C>T on the plus strand (G>A on the coding strand, the complement: ABCC6 is on the minus strand). VCF-style: chr16-16150228-C-T. GRCh37 (hg19) VCF-style: chr16-16244085-C-T.
Other names: c.4075G>A, p.Asp1359Asn (NM_001351800.1); short protein forms D1359N, D1473N.
Identifiers: ClinVar variation 1411064 (VCV001411064.8), dbSNP rs1434006743, ClinGen allele CA394883629.